The following is an entry in ClinVar:

ClinVar aggregate classification (germline): Uncertain significance (1 of 4 stars; one submission).

Submission:

Dasa
Classification: Uncertain significance. Last evaluated: 2025-02-17. Review status: criteria provided, single submitter. Criteria: DASA Assertion Criteria. Collection method: clinical testing. Allele origin: germline.
Comment: NM_001190737.2(NFIB):c.116G>A (p.Arg39His) is a missense variant that results in the substitution of arginine with histidine. The affected residue or protein region has prior evidence supporting clinical relevance. This variant is rare in population databases. Computational prediction algorithms are consistent with a deleterious effect. The currently available literature and clinical evidence are not sufficient to establish a definitive association between this variant and the reported condition. Therefore, this variant is classified as a variant of uncertain significance.

NM_001190737.2(NFIB):c.116G>A (p.Arg39His)

Gene: NFIB (nuclear factor I B; minus strand). Cytogenetic location: 9p22.3.
Variant type: single nucleotide variant.
Coding change: c.116G>A on transcript NM_001190737.2 (MANE Select); coding-DNA position 116, G replaced by A.
Protein change: p.Arg39His; replaces arginine 39 with histidine.
Molecular consequence: missense variant. On other transcripts: 5 prime UTR variant (1).
Genome position (GRCh38, 1-based): chr9:14,307,435, C>T on the plus strand (G>A on the coding strand, the complement: NFIB is on the minus strand). VCF-style: chr9-14307435-C-T. GRCh37 (hg19) VCF-style: chr9-14307434-C-T.
Other names: c.194G>A, p.Arg65His (NM_001190738.2); c.182G>A, p.Arg61His (NM_001369458.1, NM_001369459.1, NM_001369462.1 and 1 more transcripts); c.104G>A, p.Arg35His (NM_001369460.1, NM_001369463.1, NM_001369466.1 and 4 more transcripts); c.116G>A, p.Arg39His (NM_001369461.1, NM_001369464.1, NM_001369471.1 and 5 more transcripts); c.89G>A, p.Arg30His (NM_001369465.1, NM_001369467.1, NM_001369476.1); c.-29G>A (NM_001369469.1); c.101G>A, p.Arg34His (NM_001369474.1); short protein forms R30H, R34H, R35H, R39H, R61H, R65H.
Identifiers: ClinVar variation 4885132 (VCV004885132.2).
Genomic context (GRCh38, chr9:14,307,435, plus strand): 5'-TCTTTGACTGCTCTTTCTTCATCCTTTGACATTCGCTTCTCATGCTTTTTAAAGTACTTG[C>T]GTTTTCGAGCCTGCAGGTTGAACCAAGTATAGGCAATTGCACGGACATGTGGAAGAAGTG-3'
Protein context (NP_001177666.1, residues 29-49): YTWFNLQARK[Arg39His]KYFKKHEKRM